The following is an entry in ClinVar:

ClinVar aggregate classification (germline): Uncertain significance (1 of 4 stars; one submission).

Submission:

Labcorp Genetics (formerly Invitae), Labcorp
Classification: Uncertain significance. Last evaluated: 2024-02-23. Review status: criteria provided, single submitter. Criteria: Invitae Variant Classification Sherloc (09022015). Collection method: clinical testing. Allele origin: germline.
Comment: This sequence change replaces threonine, which is neutral and polar, with isoleucine, which is neutral and non-polar, at codon 880 of the CTNNA1 protein (p.Thr880Ile). This variant is not present in population databases (gnomAD no frequency). This variant has not been reported in the literature in individuals affected with CTNNA1-related conditions. ClinVar contains an entry for this variant (Variation ID: 1465660). Advanced modeling of protein sequence and biophysical properties (such as structural, functional, and spatial information, amino acid conservation, physicochemical variation, residue mobility, and thermodynamic stability) has been performed at Invitae for this missense variant, however the output from this modeling did not meet the statistical confidence thresholds required to predict the impact of this variant on CTNNA1 protein function. In summary, the available evidence is currently insufficient to determine the role of this variant in disease. Therefore, it has been classified as a Variant of Uncertain Significance.

NM_001903.5(CTNNA1):c.2639C>T (p.Thr880Ile)

Gene: CTNNA1 (catenin alpha 1; plus strand). Cytogenetic location: 5q31.2.
Variant type: single nucleotide variant.
Coding change: c.2639C>T on transcript NM_001903.5 (MANE Select); coding-DNA position 2639, C replaced by T.
Protein change: p.Thr880Ile; replaces threonine 880 with isoleucine.
Molecular consequence: missense variant. On other transcripts: 3 prime UTR variant (5).
Genome position (GRCh38, 1-based): chr5:138,934,007, C>T. VCF-style: chr5-138934007-C-T. GRCh37 (hg19) VCF-style: chr5-138269696-C-T.
Other names: c.*184C>T (NM_001290307.3, NM_001324002.1, NM_001324003.1 and 2 more transcripts); c.2330C>T, p.Thr777Ile (NM_001290309.3); c.2270C>T, p.Thr757Ile (NM_001290310.3); c.1529C>T, p.Thr510Ile (NM_001290312.1, NM_001323987.1, NM_001323988.1 and 12 more transcripts); c.2639C>T, p.Thr880Ile (NM_001323982.2, NM_001323983.1, NM_001323984.2); c.2612C>T, p.Thr871Ile (NM_001323985.2); c.2546C>T, p.Thr849Ile (NM_001323986.2); c.1394C>T, p.Thr465Ile (NM_001324001.1); and 3 more; short protein forms T510I, T429I, T479I, T757I, T880I, T465I, T849I, T871I.
Identifiers: ClinVar variation 1465660 (VCV001465660.8), dbSNP rs758854772, ClinGen allele CA128225581.